The following is an entry in ClinVar:

NM_001113378.2(FANCI):c.25G>A (p.Ala9Thr)

Gene: FANCI (FA complementation group I; plus strand). Cytogenetic location: 15q26.1.
Variant type: single nucleotide variant.
Coding change: c.25G>A on transcript NM_001113378.2 (MANE Select); coding-DNA position 25, G replaced by A.
Protein change: p.Ala9Thr; replaces alanine 9 with threonine.
Molecular consequence: missense variant. On other transcripts: 5 prime UTR variant (1).
Genome position (GRCh38, 1-based): chr15:89,247,672, G>A. VCF-style: chr15-89247672-G-A. GRCh37 (hg19) VCF-style: chr15-89790903-G-A.
Other names: c.-250G>A (NM_001376910.1); c.25G>A, p.Ala9Thr (NM_001376911.1, NM_018193.3); short protein forms A9T.
Identifiers: ClinVar variation 1327061 (VCV001327061.1), dbSNP rs770499988, ClinGen allele CA7722468.

ClinVar aggregate classification (germline): Uncertain significance (1 of 4 stars; one submission).

Conditions:
Fanconi anemia complementation group I (FANCI). Also called: FANCI-Related Fanconi Anemia. Identifiers: Orphanet 84, MedGen C1836861, MONDO:0012186, OMIM 609053.

Allele frequency attached by ClinVar (database versions not stated): gnomAD exomes 0.00001; TOPMed 0.00001; ExAC 0.00002.
gnomAD v4.1: 3 of 1,614,000 alleles (0.00019%); highest among the groups gnomAD compares: Admixed American, 0.005%; no homozygotes.

Submission:

Baylor Genetics
Classification: Uncertain significance for Fanconi anemia complementation group I. Last evaluated: 2021-05-31. Review status: criteria provided, single submitter. Criteria: ACMG Guidelines, 2015. Collection method: clinical testing. Allele origin: unknown. Affected: yes. Study: CSER-TexasKidsCanSeq.
Comment: This variant was determined to be of uncertain significance according to ACMG Guidelines, 2015 [PMID:25741868].